The following is an entry in ClinVar:

ClinVar aggregate classification (germline): Likely pathogenic (1 of 4 stars; one submission).

Conditions:
Alstrom syndrome (ALMS). Identifiers: Orphanet 64, MedGen C0268425, MONDO:0008763, OMIM 203800.

Submission:

Labcorp Genetics (formerly Invitae), Labcorp
Classification: Likely pathogenic for Alstrom syndrome. Last evaluated: 2023-02-06. Review status: criteria provided, single submitter. Criteria: Invitae Variant Classification Sherloc (09022015). Collection method: clinical testing. Allele origin: unknown.
Comment: This variant results in the deletion of part of exon 10 (c.9033_9542+5538del) of the ALMS1 gene. It is expected to disrupt RNA splicing. Variants that disrupt the donor or acceptor splice site typically lead to a loss of protein function (PMID: 16199547), and loss-of-function variants in ALMS1 are known to be pathogenic (PMID: 17594715). This variant has not been reported in the literature in individuals affected with ALMS1-related conditions. In summary, the currently available evidence indicates that the variant is pathogenic, but additional data are needed to prove that conclusively. Therefore, this variant has been classified as Likely Pathogenic.

Literature cited by the submitters: PubMed 16199547; PubMed 17594715.

NC_000002.11:g.(?_73718116)_(73724163_?)del

Gene: ALMS1 (ALMS1 centrosome and basal body associated protein; plus strand). Cytogenetic location: 2p13.1.
Variant type: Deletion.
Identifiers: ClinVar variation 3247161 (VCV003247161.1).